The following is an entry in ClinVar:

NM_017807.4(OSGEP):c.496C>G (p.Arg166Gly)

Gene: OSGEP (O-sialoglycoprotein endopeptidase; minus strand). Cytogenetic location: 14q11.2.
Variant type: single nucleotide variant.
Coding change: c.496C>G on transcript NM_017807.4 (MANE Select); coding-DNA position 496, C replaced by G.
Protein change: p.Arg166Gly; replaces arginine 166 with glycine.
Molecular consequence: missense variant.
Genome position (GRCh38, 1-based): chr14:20,449,182, G>C on the plus strand (C>G on the coding strand, the complement: OSGEP is on the minus strand). VCF-style: chr14-20449182-G-C. GRCh37 (hg19) VCF-style: chr14-20917341-G-C.
Other names: short protein forms R166G.
Identifiers: ClinVar variation 3616420 (VCV003616420.2).

ClinVar aggregate classification (germline): Uncertain significance (1 of 4 stars; one submission).

gnomAD v4.1: 3 of 1,610,688 alleles (0.00019%); highest among the groups gnomAD compares: Admixed American, 0.0017%; no homozygotes.

Submission:

Labcorp Genetics (formerly Invitae), Labcorp
Classification: Uncertain significance. Last evaluated: 2024-07-11. Review status: criteria provided, single submitter. Criteria: Invitae Variant Classification Sherloc (09022015). Collection method: clinical testing. Allele origin: germline.
Comment: This sequence change replaces arginine, which is basic and polar, with glycine, which is neutral and non-polar, at codon 166 of the OSGEP protein (p.Arg166Gly). This variant is not present in population databases (gnomAD no frequency). This variant has not been reported in the literature in individuals affected with OSGEP-related conditions. Advanced modeling of protein sequence and biophysical properties (such as structural, functional, and spatial information, amino acid conservation, physicochemical variation, residue mobility, and thermodynamic stability) performed at Invitae indicates that this missense variant is expected to disrupt OSGEP protein function with a positive predictive value of 80%. In summary, the available evidence is currently insufficient to determine the role of this variant in disease. Therefore, it has been classified as a Variant of Uncertain Significance.